The following is an entry in ClinVar:

NC_012920.1(MT-ND2):m.4768_4769delinsCG

Gene: MT-ND2 (mitochondrially encoded NADH dehydrogenase 2; plus strand).
Variant type: Indel.
Genome position: chrM-4768-TA-CG.
Identifiers: ClinVar variation 692503 (VCV000692503.1), dbSNP rs1603219613, ClinGen allele CA915952201.

ClinVar aggregate classification (germline): Uncertain significance (1 of 4 stars; one submission).

Conditions:
Leigh syndrome (NULS). Also called: Leigh's necrotizing encephalopathy; Leigh's disease; Leigh Syndrome (mtDNA deletion); Leigh Disease; Subacute necrotizing encephalopathy; Necrotizing encephalopathy infantile subacute of Leigh. Identifiers: Orphanet 506, MedGen C2931891, MONDO:0009723, OMIM 256000.

Submission:

Wong Mito Lab, Molecular and Human Genetics, Baylor College of Medicine
Classification: Uncertain significance for Leigh syndrome. Last evaluated: 2019-10-17. Review status: criteria provided, single submitter. Criteria: Modified ACMG Guidelines (Unpublished). Collection method: clinical testing. Allele origin: germline.
Comment: The NC_012920.1:m.4768_4769delinsCG (YP_003024027.1:p.Met100Thr) variant in MTND2 gene is interpretated to be a Uncertain Significance variant based on the modified ACMG guidelines (unpublished). This variant meets the following evidence codes: PP7